The following is an entry in ClinVar:

ClinVar aggregate classification (germline): Uncertain significance (1 of 4 stars; one submission).

Allele frequency attached by ClinVar (database versions not stated): gnomAD exomes below 0.00001.
gnomAD v4.1: 2 of 1,388,936 alleles (0.00014%); highest among the groups gnomAD compares: East Asian, 0.0031%; no homozygotes.

Submission:

Labcorp Genetics (formerly Invitae), Labcorp
Classification: Uncertain significance. Last evaluated: 2022-10-17. Review status: criteria provided, single submitter. Criteria: Invitae Variant Classification Sherloc (09022015). Collection method: clinical testing. Allele origin: germline.
Comment: This sequence change replaces proline, which is neutral and non-polar, with leucine, which is neutral and non-polar, at codon 1170 of the GRIN2D protein (p.Pro1170Leu). This variant is not present in population databases (gnomAD no frequency). This variant has not been reported in the literature in individuals affected with GRIN2D-related conditions. Advanced modeling of protein sequence and biophysical properties (such as structural, functional, and spatial information, amino acid conservation, physicochemical variation, residue mobility, and thermodynamic stability) performed at Invitae indicates that this missense variant is not expected to disrupt GRIN2D protein function. In summary, the available evidence is currently insufficient to determine the role of this variant in disease. Therefore, it has been classified as a Variant of Uncertain Significance.

NM_000836.4(GRIN2D):c.3509C>T (p.Pro1170Leu)

Gene: GRIN2D (glutamate ionotropic receptor NMDA type subunit 2D; plus strand). Cytogenetic location: 19q13.33.
Variant type: single nucleotide variant.
Coding change: c.3509C>T on transcript NM_000836.4 (MANE Select); coding-DNA position 3509, C replaced by T.
Protein change: p.Pro1170Leu; replaces proline 1170 with leucine.
Molecular consequence: missense variant.
Genome position (GRCh38, 1-based): chr19:48,443,435, C>T. VCF-style: chr19-48443435-C-T. GRCh37 (hg19) VCF-style: chr19-48946692-C-T.
Other names: short protein forms P1170L.
Identifiers: ClinVar variation 2063071 (VCV002063071.4), dbSNP rs2513693414, ClinGen allele CA406676594.